The following is an entry in ClinVar:

NM_016122.3(CEP83):c.1151AAG[2] (p.Glu386del)

Gene: CEP83 (centrosomal protein 83; minus strand). Cytogenetic location: 12q22.
Variant type: Microsatellite.
Coding change: c.1151AAG[2] on transcript NM_016122.3 (MANE Select); two copies in a row of the 3-base unit AAG starting at c.1151; the reference has three copies in a row; one copy, 3 bases deleted.
Protein change: p.Glu386del; deletes glutamic acid 386.
Molecular consequence: inframe deletion. On other transcripts: non-coding transcript variant (1).
Genome position (GRCh38, 1-based): chr12:94,368,091-94,368,093, CTT deleted on the plus strand (AAG on the coding strand, the reverse complement: CEP83 is on the minus strand); deleting any 3 consecutive bases within chr12:94,368,091-94,368,099 gives the same sequence; the position shown is the placement nearest the transcript's 3' end. VCF-style (leftmost placement, unchanged base first): chr12-94368090-CCTT-C. GRCh37 (hg19) VCF-style: chr12-94761866-CCTT-C.
Other names: c.1151AAG[2], p.Glu386del (NM_001042399.2, NM_001346457.2, NM_001368037.1 and 1 more transcripts); c.839AAG[2], p.Glu282del (NM_001346458.2, NM_001346459.2, NM_001368039.1 and 1 more transcripts); c.926AAG[2], p.Glu311del (NM_001368041.1); short protein forms E282del, E311del, E386del.
Identifiers: ClinVar variation 2158336 (VCV002158336.3), dbSNP rs1486083035, ClinGen allele CA386145722.

ClinVar aggregate classification (germline): Uncertain significance (1 of 4 stars; one submission).

Conditions:
Nephronophthisis 18 (NPHP18). Identifiers: Orphanet 655, MedGen C3890591, MONDO:0014374, OMIM 615862.

Submission:

Labcorp Genetics (formerly Invitae), Labcorp
Classification: Uncertain significance for Nephronophthisis 18. Last evaluated: 2023-08-04. Review status: criteria provided, single submitter. Criteria: Invitae Variant Classification Sherloc (09022015). Collection method: clinical testing. Allele origin: germline.
Comment: This variant, c.1157_1159del, results in the deletion of 1 amino acid(s) of the CEP83 protein (p.Glu386del), but otherwise preserves the integrity of the reading frame. This variant is present in population databases (no rsID available, gnomAD 0.01%). In summary, the available evidence is currently insufficient to determine the role of this variant in disease. Therefore, it has been classified as a Variant of Uncertain Significance. Experimental studies and prediction algorithms are not available or were not evaluated, and the functional significance of this variant is currently unknown. This variant has not been reported in the literature in individuals affected with CEP83-related conditions.